The following is an entry in ClinVar:

NM_139017.7(IL31RA):c.804G>A (p.Leu268=)

Gene: IL31RA (interleukin 31 receptor A; plus strand). Cytogenetic location: 5q11.2.
Variant type: single nucleotide variant.
Coding change: c.804G>A on transcript NM_139017.7 (MANE Select); coding-DNA position 804, G replaced by A.
Protein change: p.Leu268=; no amino-acid change (leucine 268 retained).
Molecular consequence: synonymous variant.
Genome position (GRCh38, 1-based): chr5:55,896,381, G>A. VCF-style: chr5-55896381-G-A. GRCh37 (hg19) VCF-style: chr5-55192209-G-A.
Other names: c.747G>A, p.Leu249= (NM_001242636.2, NM_001242638.2); c.804G>A, p.Leu268= (NM_001242637.2, NM_001297570.3); c.378G>A, p.Leu126= (NM_001242639.2).
Identifiers: ClinVar variation 3046483 (VCV003046483.2), dbSNP rs544735425, ClinGen allele CA3270606.
Genomic context (GRCh38, chr5:55,896,381, plus strand): 5'-GTTGAGTACCTCATTCTTGTTCCTTACAGCTCCATGTGGCCTGGAACTGTGGAGAGTCCT[G>A]AAACCAGCTGAGGCGGATGGAAGAAGGCCAGTGCGGTTGTTATGGAAGGTGACCTCCCTC-3'
Protein context (NP_620586.3, residues 258-278): APCGLELWRV[Leu268=]KPAEADGRRP

ClinVar aggregate classification (germline): Likely benign (0 of 4 stars; one submission).

Conditions:
IL31RA-related disorder. Also called: IL31RA-related condition.

Allele frequency attached by ClinVar (database versions not stated): gnomAD 0.00001; gnomAD exomes 0.00002; ExAC 0.00004; 1000 Genomes Project 30x 0.00016; 1000 Genomes Project 0.00020.
gnomAD v4.1: 36 of 1,613,878 alleles (0.0022%); highest among the groups gnomAD compares: South Asian, 0.038%; 1 homozygote.

Submission:

PreventionGenetics, part of Exact Sciences
Classification: Likely benign for IL31RA-related condition. Last evaluated: 2019-04-08. Review status: no assertion criteria provided. Collection method: clinical testing. Allele origin: germline.
Comment: This variant is classified as likely benign based on ACMG/AMP sequence variant interpretation guidelines (Richards et al. 2015 PMID: 25741868, with internal and published modifications).